The following is an entry in ClinVar:

ClinVar aggregate classification (germline): Uncertain significance (1 of 4 stars; one submission).

Submission:

GeneDx
Classification: Uncertain significance. Last evaluated: 2024-08-16. Review status: criteria provided, single submitter. Criteria: GeneDx Variant Classification Process June 2021. Collection method: clinical testing. Allele origin: germline. Affected: yes.
Comment: Not observed at significant frequency in large population cohorts (gnomAD); In silico analysis indicates that this missense variant does not alter protein structure/function; Has not been previously published as pathogenic or benign to our knowledge

NM_017780.4(CHD7):c.4700C>G (p.Ala1567Gly)

Gene: CHD7 (chromodomain helicase DNA binding protein 7; plus strand). Cytogenetic location: 8q12.2.
Variant type: single nucleotide variant.
Coding change: c.4700C>G on transcript NM_017780.4 (MANE Select); coding-DNA position 4700, C replaced by G.
Protein change: p.Ala1567Gly; replaces alanine 1567 with glycine.
Molecular consequence: missense variant. On other transcripts: intron variant (1).
Genome position (GRCh38, 1-based): chr8:60,841,902, C>G. VCF-style: chr8-60841902-C-G. GRCh37 (hg19) VCF-style: chr8-61754461-C-G.
Other names: c.1717-20327C>G (NM_001316690.1); short protein forms A1567G.
Identifiers: ClinVar variation 3731257 (VCV003731257.1).
Genomic context (GRCh38, chr8:60,841,902, plus strand): 5'-ATTAGAACAACCTGGTTATTGATACTCCAAGAGTGAGAAAGCAGACCAGGCTCTACAGTG[C>G]AGTGAAGGAAGATGAGCTGATGGAGTTCTCAGACTTGGAAAGTGATTCTGAAGAAAAGCC-3'
Protein context (NP_060250.2, residues 1557-1577): RVRKQTRLYS[Ala1567Gly]VKEDELMEFS